The following is an entry in ClinVar:

NM_133497.4(KCNV2):c.1348T>G (p.Trp450Gly)

Gene: KCNV2 (potassium voltage-gated channel modifier subfamily V member 2; plus strand). Cytogenetic location: 9p24.2.
Variant type: single nucleotide variant.
Coding change: c.1348T>G on transcript NM_133497.4 (MANE Select); coding-DNA position 1348, T replaced by G.
Protein change: p.Trp450Gly; replaces tryptophan 450 with glycine.
Molecular consequence: missense variant.
Genome position (GRCh38, 1-based): chr9:2,719,087, T>G. VCF-style: chr9-2719087-T-G. GRCh37 (hg19) VCF-style: chr9-2719087-T-G.
Other names: short protein forms W450G.
Identifiers: ClinVar variation 3720873 (VCV003720873.5).

ClinVar aggregate classification (germline): Pathogenic/Likely pathogenic. Review status: criteria provided, multiple submitters, no conflicts (2 of 4 stars). 3 submissions from 3 submitters: Pathogenic (1); Likely pathogenic (2). Last evaluated 2025-08-09.

Conditions:
Cone dystrophy with supernormal rod response (CDSRR). Also called: CONE DYSTROPHY WITH SUPERNORMAL ROD RESPONSES. Identifiers: Orphanet 209932, MedGen C1835897, MONDO:0012475, OMIM 610356.
KCNV2-related disorder. Also called: KCNV2-related condition.

gnomAD v4.1: 4 of 1,609,612 alleles (0.00025%); highest among the groups gnomAD compares: East Asian, 0.0067%; no homozygotes.

Submissions (3):

Labcorp Genetics (formerly Invitae), Labcorp
Classification: Pathogenic. Last evaluated: 2025-08-09. Review status: criteria provided, single submitter. Criteria: Invitae Variant Classification Sherloc (09022015). Collection method: clinical testing. Allele origin: germline.
Comment: This sequence change replaces tryptophan, which is neutral and slightly polar, with glycine, which is neutral and non-polar, at codon 450 of the KCNV2 protein (p.Trp450Gly). This variant is present in population databases (rs748180390, gnomAD 0.03%). This missense change has been observed in individuals with retinal cone dystrophy (PMID: 17896311, 33608557). It has also been observed to segregate with disease in related individuals. ClinVar contains an entry for this variant (Variation ID: 3720873). Invitae Evidence Modeling of protein sequence and biophysical properties (such as structural, functional, and spatial information, amino acid conservation, physicochemical variation, residue mobility, and thermodynamic stability) indicates that this missense variant is expected to disrupt KCNV2 protein function with a positive predictive value of 95%. Experimental studies have shown that this missense change affects KCNV2 function (PMID: 23115240). This variant disrupts the p.Trp450 amino acid residue in KCNV2. Other variant(s) that disrupt this residue have been determined to be pathogenic (PMID: 21882291). This suggests that this residue is clinically significant, and that variants that disrupt this residue are likely to be disease-causing. For these reasons, this variant has been classified as Pathogenic.

Blueprint Genetics
Classification: Likely pathogenic for KCNV2-related disorders. Last evaluated: 2022-06-30. Review status: criteria provided, single submitter. Criteria: ACMG Guidelines, 2015. Collection method: clinical testing. Allele origin: germline. Affected: yes. Observed: 1 variant allele.

Juno Genomics, Hangzhou Juno Genomics, Inc
Classification: Likely pathogenic for Cone dystrophy with supernormal rod response. Review status: criteria provided, single submitter. Criteria: ACMG Guidelines, 2015. Collection method: clinical testing. Allele origin: germline.
Comment: Absent from controls (or at extremely low frequency if recessive) in Genome Aggregation Database.;Multiple lines of computational evidence support a deleterious effect on the gene or gene product.;For recessive disorders, detected in trans with a pathogenic variant.;Patient's phenotype or family history is highly specific for a disease with a single genetic etiology.;Co-segregation with disease in multiple affected family members.

Literature cited by the submitters: PubMed 17896311 (cited by Labcorp Genetics (formerly Invitae), Labcorp); PubMed 33608557 (cited by Labcorp Genetics (formerly Invitae), Labcorp); PubMed 23115240 (cited by Labcorp Genetics (formerly Invitae), Labcorp); PubMed 21882291 (cited by Labcorp Genetics (formerly Invitae), Labcorp).